The following is an entry in ClinVar:

NM_000227.6(LAMA3):c.69del (p.Gln24fs)

Genes: LAMA3 (laminin subunit alpha 3; plus strand), LOC126862707 (MED14-independent group 3 enhancer GRCh37_chr18:21452354-21453553; plus strand). Cytogenetic location: 18q11.2.
Variant type: Deletion.
Coding change: c.69del on transcript NM_000227.6 (MANE Plus Clinical); coding-DNA position 69, one base deleted (G; older notation c.69delG).
Protein change: p.Gln24fs; shifts the reading frame from glutamine 24.
Molecular consequence: frameshift variant. On other transcripts: intron variant (2).
Genome position (GRCh38, 1-based): chr18:23,873,113, G deleted; the last of 4 consecutive G bases (chr18:23,873,110-23,873,113); deleting any one gives the same sequence. VCF-style (leftmost placement, unchanged base first): chr18-23873109-TG-T. GRCh37 (hg19) VCF-style: chr18-21453073-TG-T.
Other names: c.69del, p.Gln24fs (NM_001127718.4); c.4998+1452del (NM_198129.4, NM_001127717.4); short protein forms Q24fs.
Identifiers: ClinVar variation 1878281 (VCV001878281.4), dbSNP rs2511225021, ClinGen allele CA503327450.

ClinVar aggregate classification (germline): Pathogenic/Likely pathogenic. Review status: criteria provided, multiple submitters, no conflicts (2 of 4 stars). 2 submissions from 2 submitters: Pathogenic (1); Likely pathogenic (1). Last evaluated 2023-05-21.

Conditions:
Junctional epidermolysis bullosa. Identifiers: Orphanet 305, MedGen C0079301, MONDO:0017612.

Submissions (2):

Labcorp Genetics (formerly Invitae), Labcorp
Classification: Pathogenic. Last evaluated: 2023-05-21. Review status: criteria provided, single submitter. Criteria: Invitae Variant Classification Sherloc (09022015). Collection method: clinical testing. Allele origin: germline.
Comment: This variant is not present in population databases (gnomAD no frequency). This sequence change creates a premature translational stop signal (p.Gln24Serfs*116) in the LAMA3 gene. It is expected to result in an absent or disrupted protein product. Loss-of-function variants in LAMA3 are known to be pathogenic (PMID: 10366601, 11810295, 12915477, 16473856, 17362460, 22434185, 23869449, 27827380, 28087116). This variant has not been reported in the literature in individuals affected with LAMA3-related conditions. ClinVar contains an entry for this variant (Variation ID: 1878281). For these reasons, this variant has been classified as Pathogenic.

Women's Health and Genetics/Laboratory Corporation of America, LabCorp
Classification: Likely pathogenic for Junctional epidermolysis bullosa. Last evaluated: 2022-12-12. Review status: criteria provided, single submitter. Criteria: LabCorp Variant Classification Summary - May 2015. Collection method: clinical testing. Allele origin: germline.
Comment: Variant summary: LAMA3 c.69delG (p.Gln24SerfsX116) results in a premature termination codon, predicted to cause a truncation of the encoded protein or absence of the protein due to nonsense mediated decay, which are commonly known mechanisms for disease. Truncations downstream of this position have been classified as pathogenic by our laboratory. The variant was absent in 251490 control chromosomes. To our knowledge, no occurrence of c.69delG in individuals affected with Junctional Epidermolysis Bullosa and no experimental evidence demonstrating its impact on protein function have been reported. No clinical diagnostic laboratories have submitted clinical-significance assessments for this variant to ClinVar after 2014. Based on the evidence outlined above, the variant was classified as likely pathogenic.

Literature cited by the submitters: PubMed 10366601 (cited by Labcorp Genetics (formerly Invitae), Labcorp); PubMed 11810295 (cited by Labcorp Genetics (formerly Invitae), Labcorp); PubMed 12915477 (cited by Labcorp Genetics (formerly Invitae), Labcorp); PubMed 16473856 (cited by Labcorp Genetics (formerly Invitae), Labcorp); PubMed 17362460 (cited by Labcorp Genetics (formerly Invitae), Labcorp); PubMed 22434185 (cited by Labcorp Genetics (formerly Invitae), Labcorp); PubMed 23869449 (cited by Labcorp Genetics (formerly Invitae), Labcorp); PubMed 27827380 (cited by Labcorp Genetics (formerly Invitae), Labcorp); PubMed 28087116 (cited by Labcorp Genetics (formerly Invitae), Labcorp).